The following is an entry in ClinVar:

NM_001099287.2(NIPAL4):c.1056C>T (p.Cys352=)

Gene: NIPAL4 (NIPA like domain containing 4; plus strand). Cytogenetic location: 5q33.3.
Variant type: single nucleotide variant.
Coding change: c.1056C>T on transcript NM_001099287.2 (MANE Select); coding-DNA position 1056, C replaced by T.
Protein change: p.Cys352=; no amino-acid change (cysteine 352 retained).
Molecular consequence: synonymous variant.
Genome position (GRCh38, 1-based): chr5:157,472,801, C>T. VCF-style: chr5-157472801-C-T. GRCh37 (hg19) VCF-style: chr5-156899809-C-T.
Other names: c.999C>T, p.Cys333= (NM_001172292.2); c.1242C>T (NM_001099287.1).
Identifiers: ClinVar variation 2180937 (VCV002180937.6), dbSNP rs373794632, ClinGen allele CA3534775.

ClinVar aggregate classification (germline): Likely benign. Review status: criteria provided, single submitter (1 of 4 stars). 2 submissions from 2 submitters: Likely benign (1). 1 of the submissions does not count toward it. Last evaluated 2024-10-22.

Conditions:
NIPAL4-related disorder. Also called: NIPAL4-related condition.

Allele frequency attached by ClinVar (database versions not stated): ExAC 0.00001; gnomAD exomes 0.00002; gnomAD 0.00005; TOPMed 0.00006; ESP Exome Variant Server 0.00008.
gnomAD v4.1: 30 of 1,606,156 alleles (0.0019%); highest among the groups gnomAD compares: African/African-American, 0.013%; no homozygotes.

Submissions (2):

Labcorp Genetics (formerly Invitae), Labcorp
Classification: Likely benign. Last evaluated: 2024-10-22. Review status: criteria provided, single submitter. Criteria: Invitae Variant Classification Sherloc (09022015). Collection method: clinical testing. Allele origin: germline.

PreventionGenetics, part of Exact Sciences
Classification: Likely benign for NIPAL4-related condition. Last evaluated: 2019-04-10. Review status: no assertion criteria provided. Collection method: clinical testing. Allele origin: germline. Not counted in ClinVar's aggregate classification.
Comment: This variant is classified as likely benign based on ACMG/AMP sequence variant interpretation guidelines (Richards et al. 2015 PMID: 25741868, with internal and published modifications).